The following is an entry in ClinVar:

ClinVar aggregate classification (germline): Uncertain significance (1 of 4 stars; one submission).

Conditions:
Hereditary pancreatitis (PCTT). Also called: Hereditary chronic pancreatitis; PRSS1-Related Hereditary Pancreatitis. Identifiers: Orphanet 676, MedGen C0238339, MONDO:0008185, OMIM 167800.

Allele frequency attached by ClinVar (database versions not stated): gnomAD exomes 0.00001; ExAC 0.00002.
gnomAD v4.1: 6 of 1,613,852 alleles (0.00037%); highest among the groups gnomAD compares: South Asian, 0.0066%; no homozygotes.

Submission:

Ambry Genetics
Classification: Uncertain significance for Hereditary pancreatitis. Last evaluated: 2024-03-27. Review status: criteria provided, single submitter. Criteria: Ambry Variant Classification Scheme 2023. Collection method: clinical testing. Allele origin: germline.
Comment: The p.T230S variant (also known as c.688A>T), located in coding exon 5 of the PRSS1 gene, results from an A to T substitution at nucleotide position 688. The threonine at codon 230 is replaced by serine, an amino acid with similar properties. This amino acid position is conserved. In addition, the in silico prediction for this alteration is inconclusive. Since supporting evidence is limited at this time, the clinical significance of this alteration remains unclear.

NM_002769.5(PRSS1):c.688A>T (p.Thr230Ser)

Genes: PRSS1 (serine protease 1; plus strand), TRB (T cell receptor beta locus; plus strand). Cytogenetic location: 7q34.
Variant type: single nucleotide variant.
Coding change: c.688A>T on transcript NM_002769.5 (MANE Select); coding-DNA position 688, A replaced by T.
Protein change: p.Thr230Ser; replaces threonine 230 with serine.
Molecular consequence: missense variant. On other transcripts: non-coding transcript variant (5).
Genome position (GRCh38, 1-based): chr7:142,752,964, A>T. VCF-style: chr7-142752964-A-T. GRCh37 (hg19) VCF-style: chr7-142460815-A-T.
Other names: short protein forms T230S.
Identifiers: ClinVar variation 1755979 (VCV001755979.3), dbSNP rs768590288, ClinGen allele CA4530143.